The following is an entry in ClinVar:

NM_144991.3(TSPEAR):c.715G>A (p.Val239Met)

Gene: TSPEAR (thrombospondin type laminin G domain and EAR repeats; minus strand). Cytogenetic location: 21q22.3.
Variant type: single nucleotide variant.
Coding change: c.715G>A on transcript NM_144991.3 (MANE Select); coding-DNA position 715, G replaced by A.
Protein change: p.Val239Met; replaces valine 239 with methionine.
Molecular consequence: missense variant.
Genome position (GRCh38, 1-based): chr21:44,529,873, C>T on the plus strand (G>A on the coding strand, the complement: TSPEAR is on the minus strand). VCF-style: chr21-44529873-C-T. GRCh37 (hg19) VCF-style: chr21-45949756-C-T.
Other names: c.511G>A, p.Val171Met (NM_001272037.2); short protein forms V171M, V239M.
Identifiers: ClinVar variation 3329668 (VCV003329668.2).
Genomic context (GRCh38, chr21:44,529,873, plus strand): 5'-GCACCTCGTTATCTTCTGGCTTCCCCGTGAGAGCCTGCAGGACCCGTGGGATGGACAGCA[C>T]CGCCAGCGGGGCGTTCCTGCTGGGACACAGCCTTGGGGTGGCGTCTGAGCCCGGCAGCAG-3'
Protein context (NP_659428.2, residues 229-249): LCPSRNAPLA[Val239Met]LSIPRVLQAL

ClinVar aggregate classification (germline): Uncertain significance. Review status: criteria provided, multiple submitters, no conflicts (2 of 4 stars). 2 submissions from 2 submitters: Uncertain significance (2). Last evaluated 2024-03-19.

Conditions:
Inborn genetic diseases. Identifiers: MedGen C0950123, MeSH D030342.

Submissions (2):

Ambry Genetics
Classification: Uncertain significance for Inborn genetic diseases. Last evaluated: 2024-03-19. Review status: criteria provided, single submitter. Criteria: Ambry Variant Classification Scheme 2023. Collection method: clinical testing. Allele origin: germline.

GeneDx
Classification: Uncertain significance. Last evaluated: 2023-11-27. Review status: criteria provided, single submitter. Criteria: GeneDx Variant Classification Process June 2021. Collection method: clinical testing. Allele origin: germline. Affected: yes.
Comment: Not observed at significant frequency in large population cohorts (gnomAD); In silico analysis supports that this missense variant does not alter protein structure/function; Has not been previously published as pathogenic or benign to our knowledge